The following is an entry in ClinVar:

ClinVar aggregate classification (germline): Uncertain significance. Review status: criteria provided, multiple submitters, no conflicts (2 of 4 stars). 2 submissions from 2 submitters: Uncertain significance (2). Last evaluated 2024-12-11.

Conditions:
Inborn genetic diseases. Identifiers: MedGen C0950123, MeSH D030342.
MOGS-congenital disorder of glycosylation. Also called: GLUCOSIDASE I DEFICIENCY; MOGS-CDG; CDG IIb; CDG 2B. Identifiers: Orphanet 79330, MedGen C1853736, MONDO:0011629, OMIM 606056.

Allele frequency attached by ClinVar (database versions not stated): gnomAD 0.00001 and 0.00002; TOPMed 0.00001; ExAC 0.00003; gnomAD exomes 0.00004 and 0.00005.

Submissions (2):

Ambry Genetics
Classification: Uncertain significance for Inborn genetic diseases. Last evaluated: 2024-12-11. Review status: criteria provided, single submitter. Criteria: Ambry Variant Classification Scheme 2023. Collection method: clinical testing. Allele origin: germline.

Labcorp Genetics (formerly Invitae), Labcorp
Classification: Uncertain significance for MOGS-congenital disorder of glycosylation. Last evaluated: 2022-05-22. Review status: criteria provided, single submitter. Criteria: Invitae Variant Classification Sherloc (09022015). Collection method: clinical testing. Allele origin: germline.
Comment: In summary, the available evidence is currently insufficient to determine the role of this variant in disease. Therefore, it has been classified as a Variant of Uncertain Significance. Algorithms developed to predict the effect of missense changes on protein structure and function are either unavailable or do not agree on the potential impact of this missense change (SIFT: "Deleterious"; PolyPhen-2: "Probably Damaging"; Align-GVGD: "Class C0"). ClinVar contains an entry for this variant (Variation ID: 960820). This variant has not been reported in the literature in individuals affected with MOGS-related conditions. This variant is present in population databases (rs760636403, gnomAD 0.01%). This sequence change replaces arginine, which is basic and polar, with tryptophan, which is neutral and slightly polar, at codon 674 of the MOGS protein (p.Arg674Trp).

NM_006302.3(MOGS):c.2020C>T (p.Arg674Trp)

Gene: MOGS (mannosyl-oligosaccharide glucosidase; minus strand). Cytogenetic location: 2p13.1.
Variant type: single nucleotide variant.
Coding change: c.2020C>T on transcript NM_006302.3 (MANE Select); coding-DNA position 2020, C replaced by T.
Protein change: p.Arg674Trp; replaces arginine 674 with tryptophan.
Molecular consequence: missense variant.
Genome position (GRCh38, 1-based): chr2:74,461,769, G>A on the plus strand (C>T on the coding strand, the complement: MOGS is on the minus strand). VCF-style: chr2-74461769-G-A. GRCh37 (hg19) VCF-style: chr2-74688896-G-A.
Other names: c.1702C>T, p.Arg568Trp (NM_001146158.2); short protein forms R568W, R674W.
Identifiers: ClinVar variation 960820 (VCV000960820.4), dbSNP rs760636403, ClinGen allele CA1724679.